The following is an entry in ClinVar:

ClinVar aggregate classification (germline): Uncertain significance. Review status: criteria provided, multiple submitters, no conflicts (2 of 4 stars). 3 submissions from 3 submitters: Uncertain significance (3). Last evaluated 2024-10-22.

Conditions:
Intellectual developmental disorder, X-linked 1. Also called: Atkin Flaitz Patil Smith syndrome; Intellectual disability, X-linked 1; MENTAL RETARDATION, X-LINKED 18; MENTAL RETARDATION, X-LINKED 78. Identifiers: Orphanet 777, MedGen C2931498, MONDO:0010656, OMIM 309530.

Allele frequency attached by ClinVar (database versions not stated): gnomAD 0.00001; TOPMed 0.00006.

Submissions (3):

Labcorp Genetics (formerly Invitae), Labcorp
Classification: Uncertain significance for Intellectual developmental disorder, X-linked 1. Last evaluated: 2024-10-22. Review status: criteria provided, single submitter. Criteria: Invitae Variant Classification Sherloc (09022015). Collection method: clinical testing. Allele origin: germline.
Comment: This sequence change replaces leucine, which is neutral and non-polar, with valine, which is neutral and non-polar, at codon 166 of the IQSEC2 protein (p.Leu166Val). This variant is not present in population databases (gnomAD no frequency). This variant has not been reported in the literature in individuals affected with IQSEC2-related conditions. ClinVar contains an entry for this variant (Variation ID: 1015885). Invitae Evidence Modeling of protein sequence and biophysical properties (such as structural, functional, and spatial information, amino acid conservation, physicochemical variation, residue mobility, and thermodynamic stability) indicates that this missense variant is not expected to disrupt IQSEC2 protein function with a negative predictive value of 95%. In summary, the available evidence is currently insufficient to determine the role of this variant in disease. Therefore, it has been classified as a Variant of Uncertain Significance.

GeneDx
Classification: Uncertain significance. Last evaluated: 2023-06-17. Review status: criteria provided, single submitter. Criteria: GeneDx Variant Classification Process June 2021. Collection method: clinical testing. Allele origin: germline. Affected: yes.
Comment: Not observed in large population cohorts (gnomAD); In silico analysis supports that this missense variant does not alter protein structure/function; Has not been previously published as pathogenic or benign to our knowledge

New York Genome Center
Classification: Uncertain significance for Intellectual developmental disorder, X-linked 1. Last evaluated: 2020-07-17. Review status: criteria provided, single submitter. Criteria: NYGC Assertion Criteria 2020. Collection method: clinical testing. Allele origin: inherited. Observed: 1 heterozygote. Study: CSER-NYCKidSeq.

NM_001111125.3(IQSEC2):c.496C>G (p.Leu166Val)

Gene: IQSEC2 (IQ motif and Sec7 domain ArfGEF 2; minus strand). Cytogenetic location: Xp11.22.
Variant type: single nucleotide variant.
Coding change: c.496C>G on transcript NM_001111125.3 (MANE Select); coding-DNA position 496, C replaced by G.
Protein change: p.Leu166Val; replaces leucine 166 with valine.
Molecular consequence: missense variant.
Genome position (GRCh38, 1-based): chrX:53,320,628, G>C on the plus strand (C>G on the coding strand, the complement: IQSEC2 is on the minus strand). VCF-style: chrX-53320628-G-C. GRCh37 (hg19) VCF-style: chrX-53349826-G-C.
Other names: c.496C>G (NM_001111125.1); short protein forms L166V.
Identifiers: ClinVar variation 1015885 (VCV001015885.10), dbSNP rs1321322513, ClinGen allele CA413239210.